The following is an entry in ClinVar:

NM_003047.5(SLC9A1):c.1908G>A (p.Arg636=)

Gene: SLC9A1 (solute carrier family 9 member A1; minus strand). Cytogenetic location: 1p36.11.
Variant type: single nucleotide variant.
Coding change: c.1908G>A on transcript NM_003047.5 (MANE Select); coding-DNA position 1908, G replaced by A.
Protein change: p.Arg636=; no amino-acid change (arginine 636 retained).
Molecular consequence: synonymous variant. On other transcripts: non-coding transcript variant (1).
Genome position (GRCh38, 1-based): chr1:27,102,043, C>T on the plus strand (G>A on the coding strand, the complement: SLC9A1 is on the minus strand). VCF-style: chr1-27102043-C-T. GRCh37 (hg19) VCF-style: chr1-27428534-C-T.
Other names: p.Arg636=.
Identifiers: ClinVar variation 4684792 (VCV004684792.1).
Genomic context (GRCh38, chr1:27,102,043, plus strand): 5'-CCCTGGGGGTCGGGCTGGGGAGCAGGCCCTCACCCGCTGCCTGGTCTTCTGCAAGTTGTT[C>T]CTCAGGATTTTGCGGATCTCCTCCTCCTTGTCCTTGGACAGTGCTGGCAGGATGCGCTCG-3'
Protein context (NP_003038.2, residues 626-646): DKEEEIRKIL[Arg636=]NNLQKTRQRL

ClinVar aggregate classification (germline): Likely benign (1 of 4 stars; one submission).

gnomAD v4.1: 1 of 1,613,836 alleles (0.000062%); highest among the groups gnomAD compares: Non-Finnish European, 0.000085%; no homozygotes.

Submission:

Mayo Clinic Laboratories, Mayo Clinic
Classification: Likely benign. Last evaluated: 2025-02-11. Review status: criteria provided, single submitter. Criteria: ACMG Guidelines, 2015. Collection method: clinical testing. Allele origin: germline. Observed: 1 variant allele.
Comment: BP4, BP7